The following is an entry in ClinVar:

NM_000168.6(GLI3):c.124+10A>G

Gene: GLI3 (GLI family zinc finger 3; minus strand). Cytogenetic location: 7p14.1.
Variant type: single nucleotide variant.
Coding change: c.124+10A>G on transcript NM_000168.6 (MANE Select); 10 bases into the intron after coding-DNA position 124, A replaced by G.
Molecular consequence: intron variant.
Genome position (GRCh38, 1-based): chr7:42,223,120, T>C on the plus strand (A>G on the coding strand, the complement: GLI3 is on the minus strand). VCF-style: chr7-42223120-T-C. GRCh37 (hg19) VCF-style: chr7-42262719-T-C.
Identifiers: ClinVar variation 507112 (VCV000507112.10), dbSNP rs112576935, ClinGen allele CA4231329.

ClinVar aggregate classification (germline): Likely benign. Review status: criteria provided, multiple submitters, no conflicts (2 of 4 stars). 3 submissions from 3 submitters: Likely benign (3). Last evaluated 2025-12-14.

Conditions:
Pallister-Hall syndrome (PHS). Also called: GLI3-Related Pallister-Hall Syndrome; HYPOTHALAMIC HAMARTOBLASTOMA, HYPOPITUITARISM, IMPERFORATE ANUS, AND POSTAXIAL POLYDACTYLY. Identifiers: Orphanet 672, MedGen C0265220, MONDO:0007804, OMIM 146510.
Greig cephalopolysyndactyly syndrome (GCPS). Also called: GLI3-Related Greig Cephalopolysyndactyly Syndrome; Greig syndrome; POLYSYNDACTYLY WITH PECULIAR SKULL SHAPE. Identifiers: Orphanet 380, MedGen C0265306, MONDO:0008287, OMIM 175700.

Allele frequency attached by ClinVar (database versions not stated): gnomAD exomes 0.00005 and 0.00007; ExAC 0.00006; ESP Exome Variant Server 0.00023; gnomAD 0.00025; TOPMed 0.00034.
gnomAD v4.1: 154 of 1,613,764 alleles (0.0095%); highest among the groups gnomAD compares: African/African-American, 0.14%; 4 homozygotes.

Submissions (3):

Labcorp Genetics (formerly Invitae), Labcorp
Classification: Likely benign for Pallister-Hall syndrome; Greig cephalopolysyndactyly syndrome. Last evaluated: 2025-12-14. Review status: criteria provided, single submitter. Criteria: Invitae Variant Classification Sherloc (09022015). Collection method: clinical testing. Allele origin: germline.

Blueprint Genetics
Classification: Likely benign. Last evaluated: 2024-06-27. Review status: criteria provided, single submitter. Criteria: ACMG Guidelines, 2015. Collection method: clinical testing. Allele origin: germline.

GeneDx
Classification: Likely benign. Last evaluated: 2017-01-31. Review status: criteria provided, single submitter. Criteria: GeneDx Variant Classification (06012015). Collection method: clinical testing. Allele origin: germline. Affected: yes.
Comment: This variant is considered likely benign or benign based on one or more of the following criteria: it is a conservative change, it occurs at a poorly conserved position in the protein, it is predicted to be benign by multiple in silico algorithms, and/or has population frequency not consistent with disease.